The following is an entry in ClinVar:

NM_001370259.2(MEN1):c.129C>T (p.Phe43=)

Gene: MEN1 (menin 1; minus strand). Cytogenetic location: 11q13.1.
Variant type: single nucleotide variant.
Coding change: c.129C>T on transcript NM_001370259.2 (MANE Select); coding-DNA position 129, C replaced by T.
Protein change: p.Phe43=; no amino-acid change (phenylalanine 43 retained).
Molecular consequence: synonymous variant. On other transcripts: non-coding transcript variant (4).
Genome position (GRCh38, 1-based): chr11:64,809,981, G>A on the plus strand (C>T on the coding strand, the complement: MEN1 is on the minus strand). VCF-style: chr11-64809981-G-A. GRCh37 (hg19) VCF-style: chr11-64577453-G-A.
Other names: c.129C>T, p.Phe43= (NM_000244.4, NM_001370251.2, NM_001370260.2 and 20 more transcripts).
Identifiers: ClinVar variation 2785239 (VCV002785239.5), dbSNP rs1592660139, ClinGen allele CA475162961.

ClinVar aggregate classification (germline): Benign/Likely benign. Review status: criteria provided, multiple submitters, no conflicts (2 of 4 stars). 3 submissions from 3 submitters: Benign (1); Likely benign (2). Last evaluated 2024-12-31.

Conditions:
Hereditary cancer-predisposing syndrome. Also called: Hereditary Cancer Syndrome; Hereditary neoplastic syndrome; Tumor predisposition; Neoplastic Syndromes, Hereditary. Identifiers: Orphanet 140162, MedGen C0027672, MeSH D009386, MONDO:0015356.
Multiple endocrine neoplasia, type 1 (MEN1). Also called: MEA I; MEN I; WERMER SYNDROME; Endocrine adenomatosis multiple; MEN 1. Identifiers: Orphanet 652, MedGen C0025267, MeSH D018761, MONDO:0007540, OMIM 131100.

Submissions (3):

Ambry Genetics
Classification: Likely benign for Hereditary cancer-predisposing syndrome. Last evaluated: 2024-12-31. Review status: criteria provided, single submitter. Criteria: Ambry Variant Classification Scheme 2023. Collection method: clinical testing. Allele origin: germline.

Myriad Genetics, Inc.
Classification: Benign for Multiple endocrine neoplasia, type 1. Last evaluated: 2024-10-31. Review status: criteria provided, single submitter. Criteria: Myriad Autosomal Dominant, Autosomal Recessive and X-Linked Classification Criteria (2023). Collection method: clinical testing. Allele origin: unknown.
Comment: This variant is considered benign. This variant is a silent/synonymous amino acid change and it is not expected to impact splicing.

Labcorp Genetics (formerly Invitae), Labcorp
Classification: Likely benign for Multiple endocrine neoplasia, type 1. Last evaluated: 2023-09-03. Review status: criteria provided, single submitter. Criteria: Invitae Variant Classification Sherloc (09022015). Collection method: clinical testing. Allele origin: germline.